The following is an entry in ClinVar:

NM_000383.4(AIRE):c.1395dup (p.Pro466fs)

Gene: AIRE (autoimmune regulator; plus strand). Cytogenetic location: 21q22.3.
Variant type: Duplication.
Coding change: c.1395dup on transcript NM_000383.4 (MANE Select); coding-DNA position 1395, one base duplicated (G; older notation c.1395dupG).
Protein change: p.Pro466fs; shifts the reading frame from proline 466.
Molecular consequence: frameshift variant.
Genome position (GRCh38, 1-based): chr21:44,293,905, G duplicated; the last of 2 consecutive G bases (chr21:44,293,904-44,293,905); duplicating either gives the same sequence. VCF-style (leftmost placement, unchanged base first): chr21-44293903-C-CG. GRCh37 (hg19) VCF-style: chr21-45713786-C-CG.
Other names: short protein forms P466fs.
Identifiers: ClinVar variation 3637889 (VCV003637889.2).
Genomic context (GRCh38, chr21:44,293,903, plus strand): 5'-CGGTGTACTCACTGCGCCGCTGCCTTCCACTGGCGCTGCCACTTCCCAGCCGGCACCTCC[C>CG]GGCCCGGGTGAGTGAGCGTGGTCGGCGGGGAGGCCTGAACCCACACCCACACCCTACACC-3'

ClinVar aggregate classification (germline): Pathogenic (1 of 4 stars; one submission).

Conditions:
Polyglandular autoimmune syndrome, type 1 (APS1). Also called: HYPOADRENOCORTICISM WITH HYPOPARATHYROIDISM AND SUPERFICIAL MONILIASIS; PGA I; AUTOIMMUNE POLYENDOCRINE SYNDROME, TYPE I, WITH OR WITHOUT REVERSIBLE METAPHYSEAL DYSPLASIA; APS I; Autoimmune polyendocrinopathy syndrome , type I, with or without reversible metaphyseal dysplasia; Whitaker syndrome. Identifiers: Orphanet 3453, MedGen C0085859, MONDO:0009411, OMIM 240300.

Submission:

Labcorp Genetics (formerly Invitae), Labcorp
Classification: Pathogenic for Polyglandular autoimmune syndrome, type 1. Last evaluated: 2024-01-31. Review status: criteria provided, single submitter. Criteria: Invitae Variant Classification Sherloc (09022015). Collection method: clinical testing. Allele origin: germline.
Comment: This sequence change creates a premature translational stop signal (p.Pro466Alafs*38) in the AIRE gene. It is expected to result in an absent or disrupted protein product. Loss-of-function variants in AIRE are known to be pathogenic (PMID: 11524731, 26141571). This variant is not present in population databases (gnomAD no frequency). This variant has not been reported in the literature in individuals affected with AIRE-related conditions. For these reasons, this variant has been classified as Pathogenic.

Literature cited by the submitters: PubMed 11524731; PubMed 26141571.